The following is an entry in ClinVar:

NM_001142800.2(EYS):c.831T>A (p.Ser277Arg)

Gene: EYS (EGF-like photoreceptor maintenance factor; minus strand). Cytogenetic location: 6q12.
Variant type: single nucleotide variant.
Coding change: c.831T>A on transcript NM_001142800.2 (MANE Select); coding-DNA position 831, T replaced by A.
Protein change: p.Ser277Arg; replaces serine 277 with arginine.
Molecular consequence: missense variant.
Genome position (GRCh38, 1-based): chr6:65,490,625, A>T on the plus strand (T>A on the coding strand, the complement: EYS is on the minus strand). VCF-style: chr6-65490625-A-T. GRCh37 (hg19) VCF-style: chr6-66200518-A-T.
Other names: c.831T>A (NM_001142800.1); c.831T>A, p.Ser277Arg (NM_001142801.2, NM_001292009.2, NM_198283.2); short protein forms S277R.
Identifiers: ClinVar variation 991146 (VCV000991146.8), dbSNP rs759315564, ClinGen allele CA3877980.
Genomic context (GRCh38, chr6:65,490,625, plus strand): 5'-ATATGGTTGTATACATATGCATTTTTTACCTGAAAATTGCTCATCACATTCACAAATGAA[A>T]CTATTTGAAGTAATATTGCTGCAGTTTCCATGGAAACAGACATGTGGTTGACACTGGCCA-3'
Protein context (NP_001136272.1, residues 267-287): HGNCSNITSN[Ser277Arg]FICECDEQFS

ClinVar aggregate classification (germline): Uncertain significance. Review status: criteria provided, multiple submitters, no conflicts (2 of 4 stars). 6 submissions from 6 submitters: Uncertain significance (5). 1 of the submissions does not count toward it. Last evaluated 2026-09-14.

Conditions:
Autosomal recessive retinitis pigmentosa. Identifiers: MedGen C0339526.
Retinitis pigmentosa 25 (RP25). Identifiers: Orphanet 791, MedGen C1864446, MONDO:0011272, OMIM 602772.
EYS-related disorder. Also called: EYS-related condition.

Allele frequency attached by ClinVar (database versions not stated): ExAC 0.00004; gnomAD exomes 0.00005 and 0.00007; gnomAD 0.00007 and 0.00008; TOPMed 0.00008.
gnomAD v4.1: 86 of 1,611,502 alleles (0.0053%); highest among the groups gnomAD compares: Middle Eastern, 0.23%; no homozygotes.

Submissions (6):

PreventionGenetics, part of Exact Sciences
Classification: Uncertain significance for EYS-related condition. Last evaluated: 2026-09-14. Review status: criteria provided, single submitter. Criteria: ACMG Guidelines, 2015. Collection method: clinical testing. Allele origin: germline.
Comment: The EYS c.831T>A variant is predicted to result in the amino acid substitution p.Ser277Arg. This variant was reported in the heterozygous state, without a second potential causative variant, in an individual with retinitis pigmentosa (McGowan et al. 2020. PubMed ID: 32579692). This variant is reported in 0.097% of alleles in individuals of Ashkenazi Jewish descent in gnomAD, which may be too frequent to be a primary cause of disease. Although we suspect that this variant may be benign, at this time, the clinical significance of this variant is uncertain due to the absence of conclusive functional and genetic evidence.

Labcorp Genetics (formerly Invitae), Labcorp
Classification: Uncertain significance. Last evaluated: 2024-11-27. Review status: criteria provided, single submitter. Criteria: Invitae Variant Classification Sherloc (09022015). Collection method: clinical testing. Allele origin: germline.
Comment: This sequence change replaces serine, which is neutral and polar, with arginine, which is basic and polar, at codon 277 of the EYS protein (p.Ser277Arg). This variant is present in population databases (rs759315564, gnomAD 0.1%). This variant has not been reported in the literature in individuals affected with EYS-related conditions. ClinVar contains an entry for this variant (Variation ID: 991146). Invitae Evidence Modeling of protein sequence and biophysical properties (such as structural, functional, and spatial information, amino acid conservation, physicochemical variation, residue mobility, and thermodynamic stability) indicates that this missense variant is not expected to disrupt EYS protein function with a negative predictive value of 80%. In summary, the available evidence is currently insufficient to determine the role of this variant in disease. Therefore, it has been classified as a Variant of Uncertain Significance.

Blueprint Genetics
Classification: Uncertain significance. Last evaluated: 2024-11-06. Review status: criteria provided, single submitter. Criteria: ACMG Guidelines, 2015. Collection method: clinical testing. Allele origin: germline.

Department of Pathology and Laboratory Medicine, Sinai Health System
Classification: Uncertain significance for Retinitis pigmentosa 25. Last evaluated: 2023-03-20. Review status: criteria provided, single submitter. Criteria: ACMG Guidelines, 2015. Collection method: research. Allele origin: germline.

Breakthrough Genomics
Classification: Uncertain significance. Review status: criteria provided, single submitter. Criteria: ACMG Guidelines, 2015. Collection method: not provided. Allele origin: germline. Inheritance: Autosomal recessive inheritance. Affected: yes.

Natera, Inc.
Classification: Uncertain significance for Autosomal recessive retinitis pigmentosa. Last evaluated: 2020-06-24. Review status: no assertion criteria provided. Collection method: clinical testing. Allele origin: germline. Not counted in ClinVar's aggregate classification.